The following is an entry in ClinVar:

NM_000252.3(MTM1):c.1405C>G (p.His469Asp)

Gene: MTM1 (myotubularin 1; plus strand). Cytogenetic location: Xq28.
Variant type: single nucleotide variant.
Coding change: c.1405C>G on transcript NM_000252.3 (MANE Select); coding-DNA position 1405, C replaced by G.
Protein change: p.His469Asp; replaces histidine 469 with aspartic acid.
Molecular consequence: missense variant.
Genome position (GRCh38, 1-based): chrX:150,660,422, C>G. VCF-style: chrX-150660422-C-G. GRCh37 (hg19) VCF-style: chrX-149828895-C-G.
Other names: c.1405C>G, p.His469Asp (NM_001376906.1, NM_001376908.1); c.1294C>G, p.His432Asp (NM_001376907.1); short protein forms H469D, H432D.
Identifiers: ClinVar variation 2150084 (VCV002150084.7), dbSNP rs1327304427, ClinGen allele CA415259693.

ClinVar aggregate classification (germline): Conflicting classifications of pathogenicity. Review status: criteria provided, conflicting classifications (1 of 4 stars). 3 submissions from 3 submitters: Likely pathogenic (1); Uncertain significance (2). Last evaluated 2025-12-17.

Conditions:
Severe X-linked myotubular myopathy (CNMX). Also called: Myotubular myopathy, X-linked; MYOTUBULAR MYOPATHY 1; X-linked centronuclear myopathy. Identifiers: Orphanet 596, MedGen C0410203, MONDO:0010683, OMIM 310400.

Allele frequency attached by ClinVar (database versions not stated): TOPMed 0.00002.

Submissions (3):

Myriad Genetics, Inc.
Classification: Uncertain significance for Severe X-linked myotubular myopathy. Last evaluated: 2025-12-17. Review status: criteria provided, single submitter. Criteria: Myriad Autosomal Dominant, Autosomal Recessive and X-Linked Classification Criteria (2023). Collection method: clinical testing. Allele origin: unknown.
Comment: NM_000252.2(MTM1):c.1405C>G(H469D) is a missense variant classified as a variant of uncertain significance in the context of X-linked myotubular myopathy. H469D has been observed in a case with relevant disease (PMID: 30232666). Relevant functional assessments of this variant are not available in the literature. H469D has not been observed in referenced population frequency databases. In summary, there is insufficient evidence to classify NM_000252.2(MTM1):c.1405C>G(H469D) as pathogenic or benign. Please note: this variant was assessed in the context of healthy population screening.

Women's Health and Genetics/Laboratory Corporation of America, LabCorp
Classification: Uncertain significance. Last evaluated: 2025-07-30. Review status: criteria provided, single submitter. Criteria: LabCorp Variant Classification Summary - May 2015. Collection method: clinical testing. Allele origin: germline.
Comment: Variant summary: MTM1 c.1405C>G (p.His469Asp) results in a non-conservative amino acid change located in the Protein-tyrosine phosphatase, catalytic domain (IPR003595) of the encoded protein sequence. Algorithms developed to predict the effect of missense changes on protein structure and function all suggest that this variant is likely to be disruptive. The variant was absent in 182909 control chromosomes. The available data on variant occurrences in the general population are insufficient to allow any conclusion about variant significance. c.1405C>G has been observed in at least one individual affected with Severe X-Linked Myotubular Myopathy (example: Zhao_ 2018). These data do not allow any conclusion about variant significance. To our knowledge, no experimental evidence demonstrating an impact on protein function has been reported. The following publication has been ascertained in the context of this evaluation (PMID: 30232666). ClinVar contains an entry for this variant (Variation ID: 2150084). Based on the evidence outlined above, the variant was classified as uncertain significance.

Labcorp Genetics (formerly Invitae), Labcorp
Classification: Likely pathogenic for Severe X-linked myotubular myopathy. Last evaluated: 2023-07-08. Review status: criteria provided, single submitter. Criteria: Invitae Variant Classification Sherloc (09022015). Collection method: clinical testing. Allele origin: germline.
Comment: In summary, the currently available evidence indicates that the variant is pathogenic, but additional data are needed to prove that conclusively. Therefore, this variant has been classified as Likely Pathogenic. This variant disrupts the p.His469 amino acid residue in MTM1. Other variant(s) that disrupt this residue have been determined to be pathogenic (PMID: 9305655, 12118066, 17537630, 30232666). This suggests that this residue is clinically significant, and that variants that disrupt this residue are likely to be disease-causing. Advanced modeling of protein sequence and biophysical properties (such as structural, functional, and spatial information, amino acid conservation, physicochemical variation, residue mobility, and thermodynamic stability) performed at Invitae indicates that this missense variant is expected to disrupt MTM1 protein function. ClinVar contains an entry for this variant (Variation ID: 2150084). This missense change has been observed in individual(s) with clinical features of MTM1-related conditions (PMID: 30232666). This variant is not present in population databases (gnomAD no frequency). This sequence change replaces histidine, which is basic and polar, with aspartic acid, which is acidic and polar, at codon 469 of the MTM1 protein (p.His469Asp).

Literature cited by the submitters: PubMed 30232666 (cited by 3 submitters); PubMed 9305655 (cited by Labcorp Genetics (formerly Invitae), Labcorp); PubMed 12118066 (cited by Labcorp Genetics (formerly Invitae), Labcorp); PubMed 17537630 (cited by Labcorp Genetics (formerly Invitae), Labcorp).